The following is an entry in ClinVar:

ClinVar aggregate classification (germline): Uncertain significance (1 of 4 stars; one submission).

gnomAD v4.1: 1 of 1,612,822 alleles (0.000062%); highest among the groups gnomAD compares: Admixed American, 0.0017%; no homozygotes.

Submission:

Ambry Genetics
Classification: Uncertain significance. Last evaluated: 2024-11-25. Review status: criteria provided, single submitter. Criteria: Ambry Variant Classification Scheme 2023. Collection method: clinical testing. Allele origin: germline.
Comment: The p.Q1562E variant (also known as c.4684C>G), located in coding exon 19 of the WNK2 gene, results from a C to G substitution at nucleotide position 4684. The glutamine at codon 1562 is replaced by glutamic acid, an amino acid with highly similar properties. This amino acid position is conserved. In addition, this alteration is predicted to be tolerated by in silico analysis. Based on the available evidence, the clinical significance of this variant remains unclear.

NM_006648.4(WNK2):c.4684C>G (p.Gln1562Glu)

Gene: WNK2 (WNK lysine deficient protein kinase 2; plus strand). Cytogenetic location: 9q22.31.
Variant type: single nucleotide variant.
Coding change: c.4684C>G on transcript NM_006648.4 (MANE Select); coding-DNA position 4684, C replaced by G.
Protein change: p.Gln1562Glu; replaces glutamine 1562 with glutamic acid.
Molecular consequence: missense variant.
Genome position (GRCh38, 1-based): chr9:93,289,438, C>G. VCF-style: chr9-93289438-C-G. GRCh37 (hg19) VCF-style: chr9-96051720-C-G.
Other names: c.4795C>G, p.Gln1599Glu (NM_001282394.3); short protein forms Q1562E, Q1599E.
Identifiers: ClinVar variation 3470428 (VCV003470428.1).